The following is an entry in ClinVar:

NM_006080.3(SEMA3A):c.939A>G (p.Leu313=)

Gene: SEMA3A (semaphorin 3A; minus strand). Cytogenetic location: 7q21.11.
Variant type: single nucleotide variant.
Coding change: c.939A>G on transcript NM_006080.3 (MANE Select); coding-DNA position 939, A replaced by G.
Protein change: p.Leu313=; no amino-acid change (leucine 313 retained).
Molecular consequence: synonymous variant.
Genome position (GRCh38, 1-based): chr7:84,011,078, T>C on the plus strand (A>G on the coding strand, the complement: SEMA3A is on the minus strand). VCF-style: chr7-84011078-T-C. GRCh37 (hg19) VCF-style: chr7-83640394-T-C.
Identifiers: ClinVar variation 2889335 (VCV002889335.5), dbSNP rs35078268, ClinGen allele CA4322878.

ClinVar aggregate classification (germline): Likely benign. Review status: criteria provided, single submitter (1 of 4 stars). 2 submissions from 2 submitters: Likely benign (1). 1 of the submissions does not count toward it. Last evaluated 2025-06-13.

Conditions:
SEMA3A-related disorder. Also called: SEMA3A-related condition.

Allele frequency attached by ClinVar (database versions not stated): gnomAD 0.00029; TOPMed 0.00040; gnomAD exomes 0.00004; ESP Exome Variant Server 0.00038; ExAC 0.00011.
gnomAD v4.1: 107 of 1,612,286 alleles (0.0066%); highest among the groups gnomAD compares: African/African-American, 0.11%; no homozygotes.

Submissions (2):

Labcorp Genetics (formerly Invitae), Labcorp
Classification: Likely benign. Last evaluated: 2025-06-13. Review status: criteria provided, single submitter. Criteria: Invitae Variant Classification Sherloc (09022015). Collection method: clinical testing. Allele origin: germline.

PreventionGenetics, part of Exact Sciences
Classification: Likely benign for SEMA3A-related condition. Last evaluated: 2021-08-03. Review status: no assertion criteria provided. Collection method: clinical testing. Allele origin: germline. Not counted in ClinVar's aggregate classification.
Comment: This variant is classified as likely benign based on ACMG/AMP sequence variant interpretation guidelines (Richards et al. 2015 PMID: 25741868, with internal and published modifications).